The following is an entry in ClinVar:

ClinVar aggregate classification (germline): Uncertain significance (1 of 4 stars; one submission).

Conditions:
Cardiovascular phenotype. Identifiers: MedGen CN230736.

gnomAD v4.1: 1 of 1,614,138 alleles (0.000062%); highest among the groups gnomAD compares: Non-Finnish European, 0.000085%; no homozygotes.

Submission:

Ambry Genetics
Classification: Uncertain significance for Cardiovascular phenotype. Last evaluated: 2025-10-23. Review status: criteria provided, single submitter. Criteria: Ambry Variant Classification Scheme 2023. Collection method: clinical testing. Allele origin: germline.
Comment: The p.D808G variant (also known as c.2423A>G), located in coding exon 15 of the CBL gene, results from an A to G substitution at nucleotide position 2423. The aspartic acid at codon 808 is replaced by glycine, an amino acid with similar properties. This amino acid position is conserved. In addition, this alteration is predicted to be tolerated by in silico analysis. Based on the available evidence, the clinical significance of this variant remains unclear.

NM_005188.4(CBL):c.2423A>G (p.Asp808Gly)

Gene: CBL (Cbl proto-oncogene; plus strand). Cytogenetic location: 11q23.3.
Variant type: single nucleotide variant.
Coding change: c.2423A>G on transcript NM_005188.4 (MANE Select); coding-DNA position 2423, A replaced by G.
Protein change: p.Asp808Gly; replaces aspartic acid 808 with glycine.
Molecular consequence: missense variant.
Genome position (GRCh38, 1-based): chr11:119,298,529, A>G. VCF-style: chr11-119298529-A-G. GRCh37 (hg19) VCF-style: chr11-119169239-A-G.
Other names: short protein forms D808G.
Identifiers: ClinVar variation 4613846 (VCV004613846.1).